The following is an entry in ClinVar:

ClinVar aggregate classification (germline): Uncertain significance. Review status: criteria provided, multiple submitters, no conflicts (2 of 4 stars). 6 submissions from 6 submitters: Uncertain significance (4). 2 of the submissions do not count toward it. Last evaluated 2025-09-29.

Conditions:
Inborn genetic diseases. Identifiers: MedGen C0950123, MeSH D030342.
Autosomal dominant nonsyndromic hearing loss 2A. Also called: Deafness, autosomal dominant 2A; DFNA2 Nonsyndromic Hearing Loss; Autosomal dominant nonsyndromic deafness 2A. Identifiers: Orphanet 90635, MedGen C2677637, MONDO:0010817, OMIM 600101.

Allele frequency attached by ClinVar (database versions not stated): ExAC 0.00002; gnomAD 0.00005 and 0.00006; gnomAD exomes 0.00005 and 0.00012; TOPMed 0.00005.
gnomAD v4.1: 178 of 1,606,290 alleles (0.011%); highest among the groups gnomAD compares: Non-Finnish European, 0.014%; no homozygotes.

Submissions (6):

Labcorp Genetics (formerly Invitae), Labcorp
Classification: Uncertain significance. Last evaluated: 2025-09-29. Review status: criteria provided, single submitter. Criteria: Invitae Variant Classification Sherloc (09022015). Collection method: clinical testing. Allele origin: germline.
Comment: This sequence change replaces glycine, which is neutral and non-polar, with aspartic acid, which is acidic and polar, at codon 222 of the KCNQ4 protein (p.Gly222Asp). This variant is present in population databases (rs752658856, gnomAD 0.01%). This variant has not been reported in the literature in individuals affected with KCNQ4-related conditions. ClinVar contains an entry for this variant (Variation ID: 1297718). Invitae Evidence Modeling of protein sequence and biophysical properties (such as structural, functional, and spatial information, amino acid conservation, physicochemical variation, residue mobility, and thermodynamic stability) indicates that this missense variant is expected to disrupt KCNQ4 protein function with a positive predictive value of 95%. In summary, the available evidence is currently insufficient to determine the role of this variant in disease. Therefore, it has been classified as a Variant of Uncertain Significance.

Ambry Genetics
Classification: Uncertain significance for Inborn genetic diseases. Last evaluated: 2023-12-28. Review status: criteria provided, single submitter. Criteria: Ambry Variant Classification Scheme 2023. Collection method: clinical testing. Allele origin: germline.

Genome-Nilou Lab
Classification: Uncertain significance for Autosomal dominant nonsyndromic hearing loss 2A. Last evaluated: 2023-04-11. Review status: criteria provided, single submitter. Criteria: ACMG Guidelines, 2015. Collection method: clinical testing. Allele origin: germline. Affected: no.

Fulgent Genetics
Classification: Uncertain significance for Autosomal dominant nonsyndromic hearing loss 2A. Last evaluated: 2021-07-26. Review status: criteria provided, single submitter. Criteria: ACMG Guidelines, 2015. Collection method: clinical testing. Allele origin: unknown.

Clinical Genetics DNA and cytogenetics Diagnostics Lab, Erasmus MC, Erasmus Medical Center
Classification: Uncertain significance. Review status: no assertion criteria provided. Collection method: clinical testing. Allele origin: germline. Affected: yes. Study: VKGL Data-share Consensus. Not counted in ClinVar's aggregate classification.

Joint Genome Diagnostic Labs from Nijmegen and Maastricht, Radboudumc and MUMC+
Classification: Uncertain significance. Review status: no assertion criteria provided. Collection method: clinical testing. Allele origin: germline. Affected: yes. Study: VKGL Data-share Consensus. Not counted in ClinVar's aggregate classification.

NM_004700.4(KCNQ4):c.665G>A (p.Gly222Asp)

Gene: KCNQ4 (potassium voltage-gated channel subfamily Q member 4; plus strand). Cytogenetic location: 1p34.2.
Variant type: single nucleotide variant.
Coding change: c.665G>A on transcript NM_004700.4 (MANE Select); coding-DNA position 665, G replaced by A.
Protein change: p.Gly222Asp; replaces glycine 222 with aspartic acid.
Molecular consequence: missense variant.
Genome position (GRCh38, 1-based): chr1:40,818,637, G>A. VCF-style: chr1-40818637-G-A. GRCh37 (hg19) VCF-style: chr1-41284309-G-A.
Other names: c.665G>A, p.Gly222Asp (NM_172163.3); short protein forms G222D.
Identifiers: ClinVar variation 1297718 (VCV001297718.10), dbSNP rs752658856, ClinGen allele CA794590.
Genomic context (GRCh38, chr1:40,818,637, plus strand): 5'-CGCTGCGCAGCATGCGCTTCCTGCAGATCCTGCGCATGGTGCGCATGGACCGCCGCGGCG[G>A]CACCTGGAAGCTGCTGGGCTCAGTGGTCTACGCGCATAGCAAGGTGAGGCCTGCAAGCCG-3'
Protein context (NP_004691.2, residues 212-232): LRMVRMDRRG[Gly222Asp]TWKLLGSVVY